The following is an entry in ClinVar:

ClinVar aggregate classification (germline): Pathogenic (1 of 4 stars; one submission).

Conditions:
Breast-ovarian cancer, familial, susceptibility to, 2 (BROVCA2). Also called: BRCA2 Hereditary Breast and Ovarian Cancer. Identifiers: Orphanet 145, MedGen C2675520, MONDO:0012933, OMIM 612555. Disease mechanism: loss of function.

Submission:

Myriad Genetics, Inc.
Classification: Pathogenic for Breast-ovarian cancer, familial, susceptibility to, 2. Last evaluated: 2023-05-02. Review status: criteria provided, single submitter. Criteria: Myriad Autosomal Dominant, Autosomal Recessive and X-Linked Classification Criteria (2023). Collection method: clinical testing. Allele origin: unknown.
Comment: This variant is considered pathogenic. This variant creates a termination codon and is predicted to result in premature protein truncation.

NM_000059.4(BRCA2):c.2902_2911del (p.Leu967_Gly968insTer)

Gene: BRCA2 (BRCA2 DNA repair associated; plus strand). Cytogenetic location: 13q13.1.
Variant type: Deletion.
Coding change: c.2902_2911del on transcript NM_000059.4 (MANE Select); coding-DNA positions 2902 to 2911, 10 bases deleted (GGTCAAGATT; older notation c.2902_2911delGGTCAAGATT).
Protein change: p.Leu967_Gly968insTer.
Molecular consequence: nonsense. On other transcripts: non-coding transcript variant (1), intron variant (2).
Genome position (GRCh38, 1-based): chr13:32,337,257-32,337,266, GGTCAAGATT deleted. VCF-style (leftmost placement, unchanged base first): chr13-32337256-AGGTCAAGATT-A. GRCh37 (hg19) VCF-style: chr13-32911393-AGGTCAAGATT-A.
Other names: c.2902_2911del, p.Leu967_Gly968insTer (NM_001406719.1, NM_001406720.1); c.1909+3870_1909+3879del (NM_001406721.1); c.424+6227_424+6236del (NM_001406722.1).
Identifiers: ClinVar variation 2583806 (VCV002583806.2), dbSNP rs2548524851, ClinGen allele CA2582341843.